The following is an entry in ClinVar:

NM_001162501.2(TNRC6B):c.3415A>T (p.Thr1139Ser)

Gene: TNRC6B (trinucleotide repeat containing adaptor 6B; plus strand). Cytogenetic location: 22q13.1.
Variant type: single nucleotide variant.
Coding change: c.3415A>T on transcript NM_001162501.2 (MANE Select); coding-DNA position 3415, A replaced by T.
Protein change: p.Thr1139Ser; replaces threonine 1139 with serine.
Molecular consequence: missense variant. On other transcripts: intron variant (2).
Genome position (GRCh38, 1-based): chr22:40,281,122, A>T. VCF-style: chr22-40281122-A-T. GRCh37 (hg19) VCF-style: chr22-40677126-A-T.
Other names: c.1170+979A>T (NM_001024843.2); c.3252+979A>T (NM_015088.3); short protein forms T1139S.
Identifiers: ClinVar variation 2359230 (VCV002359230.4), dbSNP rs375851788, ClinGen allele CA10247067.

ClinVar aggregate classification (germline): Likely benign. Review status: criteria provided, single submitter (1 of 4 stars). 2 submissions from 2 submitters: Likely benign (1). 1 of the submissions does not count toward it. Last evaluated 2021-10-29.

Conditions:
TNRC6B-related disorder. Also called: TNRC6B-related condition.
Inborn genetic diseases. Identifiers: MedGen C0950123, MeSH D030342.

Allele frequency attached by ClinVar (database versions not stated): ExAC 0.00006; gnomAD 0.00016; ESP Exome Variant Server 0.00022.
gnomAD v4.1: 47 of 1,548,254 alleles (0.003%); highest among the groups gnomAD compares: African/African-American, 0.056%; no homozygotes.

Submissions (2):

Ambry Genetics
Classification: Likely benign for Inborn genetic diseases. Last evaluated: 2021-10-29. Review status: criteria provided, single submitter. Criteria: Ambry Variant Classification Scheme 2023. Collection method: clinical testing. Allele origin: germline.

PreventionGenetics, part of Exact Sciences
Classification: Likely benign for TNRC6B-related condition. Last evaluated: 2023-01-17. Review status: no assertion criteria provided. Collection method: clinical testing. Allele origin: germline. Not counted in ClinVar's aggregate classification.
Comment: This variant is classified as likely benign based on ACMG/AMP sequence variant interpretation guidelines (Richards et al. 2015 PMID: 25741868, with internal and published modifications).